The following is an entry in ClinVar:

NM_000487.6(ARSA):c.854+2T>C

Gene: ARSA (arylsulfatase A; minus strand). Cytogenetic location: 22q13.33.
Variant type: single nucleotide variant.
Coding change: c.854+2T>C on transcript NM_000487.6 (MANE Select); the canonical splice donor site of the intron after coding-DNA position 854, T replaced by C.
Molecular consequence: splice donor variant.
Genome position (GRCh38, 1-based): chr22:50,626,589, A>G on the plus strand (T>C on the coding strand, the complement: ARSA is on the minus strand). VCF-style: chr22-50626589-A-G. GRCh37 (hg19) VCF-style: chr22-51065017-A-G.
Other names: c.596+2T>C (NM_001362782.2, NM_001085428.3); c.854+2T>C (NM_001085427.3, NM_001085426.3, NM_001085425.3).
Identifiers: ClinVar variation 4081748 (VCV004081748.1).

ClinVar aggregate classification (germline): Likely pathogenic (1 of 4 stars; one submission).

Conditions:
Metachromatic leukodystrophy (MLD). Also called: ARSA DEFICIENCY; CEREBROSIDE SULFATASE DEFICIENCY; METACHROMATIC LEUKOENCEPHALOPATHY; SULFATIDE LIPIDOSIS; Cerebral sclerosis diffuse metachromatic form; Arylsulfatase A Deficiency. Identifiers: Orphanet 512, MedGen C0023522, MONDO:0018868, OMIM 250100.

Submission:

Myriad Genetics, Inc.
Classification: Likely pathogenic for Metachromatic leukodystrophy. Last evaluated: 2025-05-19. Review status: criteria provided, single submitter. Criteria: Myriad Autosomal Dominant, Autosomal Recessive and X-Linked Classification Criteria (2023). Collection method: clinical testing. Allele origin: unknown.
Comment: NM_000487.5(ARSA):c.854+2T>C is a variant in a canonical splice site classified as likely pathogenic in the context of metachromatic leukodystrophy. c.854+2T>C has not been observed in cases with relevant disease. Relevant functional assessments of this variant are not available in the literature. c.854+2T>C has not been observed in referenced population frequency databases. In summary, NM_000487.5(ARSA):c.854+2T>C is a variant in a canonical splice site in a gene where loss of function is a known mechanism of disease and is predicted to disrupt protein function. Please note: this variant was assessed in the context of healthy population screening.